The following is an entry in ClinVar:

ClinVar aggregate classification (germline): Uncertain significance (1 of 4 stars; one submission).

Conditions:
Cardiovascular phenotype. Identifiers: MedGen CN230736.

gnomAD v4.1: 2 of 1,551,224 alleles (0.00013%); highest among the groups gnomAD compares: Non-Finnish European, 0.00017%; no homozygotes.

Submission:

Ambry Genetics
Classification: Uncertain significance for Cardiovascular phenotype. Last evaluated: 2024-11-27. Review status: criteria provided, single submitter. Criteria: Ambry Variant Classification Scheme 2023. Collection method: clinical testing. Allele origin: germline.
Comment: The p.W820R variant (also known as c.2458T>C), located in coding exon 17 of the TRPM4 gene, results from a T to C substitution at nucleotide position 2458. The tryptophan at codon 820 is replaced by arginine, an amino acid with dissimilar properties. This amino acid position is conserved. In addition, this alteration is predicted to be deleterious by in silico analysis. Based on the available evidence, the clinical significance of this variant remains unclear.

NM_017636.4(TRPM4):c.2458T>C (p.Trp820Arg)

Gene: TRPM4 (transient receptor potential cation channel subfamily M member 4; plus strand). Cytogenetic location: 19q13.33.
Variant type: single nucleotide variant.
Coding change: c.2458T>C on transcript NM_017636.4 (MANE Select); coding-DNA position 2458, T replaced by C.
Protein change: p.Trp820Arg; replaces tryptophan 820 with arginine.
Molecular consequence: missense variant. On other transcripts: intron variant (1).
Genome position (GRCh38, 1-based): chr19:49,196,687, T>C. VCF-style: chr19-49196687-T-C. GRCh37 (hg19) VCF-style: chr19-49699944-T-C.
Other names: c.2113T>C, p.Trp705Arg (NM_001321281.2); c.850T>C, p.Trp284Arg (NM_001321282.2); c.1936T>C, p.Trp646Arg (NM_001321283.2); c.1396T>C, p.Trp466Arg (NM_001321285.2); c.2211-3613T>C (NM_001195227.2); short protein forms W284R, W646R, W820R, W705R, W466R.
Identifiers: ClinVar variation 3462160 (VCV003462160.1).